The following is an entry in ClinVar:

ClinVar aggregate classification (germline): Uncertain significance. Review status: criteria provided, multiple submitters, no conflicts (2 of 4 stars). 4 submissions from 4 submitters: Uncertain significance (4). Last evaluated 2025-05-28.

Conditions:
Muscular dystrophy-dystroglycanopathy (congenital with brain and eye anomalies), type a, 8 (MDDGA8). Also called: WALKER-WARBURG SYNDROME OR MUSCLE-EYE-BRAIN DISEASE, GTDC2-RELATED. Identifiers: Orphanet 899, MedGen C3553813, MONDO:0013904, OMIM 614830.
Inborn genetic diseases. Identifiers: MedGen C0950123, MeSH D030342.

Allele frequency attached by ClinVar (database versions not stated): ExAC 0.00006; ESP Exome Variant Server 0.00008.
gnomAD v4.1: 47 of 1,614,044 alleles (0.0029%); highest among the groups gnomAD compares: African/African-American, 0.0093%; no homozygotes.

Submissions (4):

GeneDx
Classification: Uncertain significance. Last evaluated: 2025-05-28. Review status: criteria provided, single submitter. Criteria: GeneDx Variant Classification Process June 2021. Collection method: clinical testing. Allele origin: germline. Affected: yes.
Comment: In silico analysis supports that this missense variant has a deleterious effect on protein structure/function; Has not been previously published as pathogenic or benign to our knowledge

Ambry Genetics
Classification: Uncertain significance for Inborn genetic diseases. Last evaluated: 2024-10-17. Review status: criteria provided, single submitter. Criteria: Ambry Variant Classification Scheme 2023. Collection method: clinical testing. Allele origin: germline.

Labcorp Genetics (formerly Invitae), Labcorp
Classification: Uncertain significance for Muscular dystrophy-dystroglycanopathy (congenital with brain and eye anomalies), type a, 8. Last evaluated: 2021-08-28. Review status: criteria provided, single submitter. Criteria: Invitae Variant Classification Sherloc (09022015). Collection method: clinical testing. Allele origin: germline.
Comment: This sequence change replaces arginine with tryptophan at codon 394 of the POMGNT2 protein (p.Arg394Trp). The arginine residue is moderately conserved and there is a moderate physicochemical difference between arginine and tryptophan. This variant is present in population databases (rs146126985, ExAC 0.02%). This variant has not been reported in the literature in individuals affected with POMGNT2-related conditions. Algorithms developed to predict the effect of missense changes on protein structure and function are either unavailable or do not agree on the potential impact of this missense change (SIFT: "Deleterious"; PolyPhen-2: "Possibly Damaging"; Align-GVGD: "Class C0"). In summary, the available evidence is currently insufficient to determine the role of this variant in disease. Therefore, it has been classified as a Variant of Uncertain Significance.

Genetic Services Laboratory, University of Chicago
Classification: Uncertain significance. Last evaluated: 2018-02-21. Review status: criteria provided, single submitter. Criteria: ACMG Guidelines, 2015. Collection method: clinical testing. Allele origin: germline. Affected: no.

NM_032806.6(POMGNT2):c.1180C>T (p.Arg394Trp)

Gene: POMGNT2 (protein O-linked mannose N-acetylglucosaminyltransferase 2 (beta 1,4-); minus strand). Cytogenetic location: 3p22.1.
Variant type: single nucleotide variant.
Coding change: c.1180C>T on transcript NM_032806.6 (MANE Select); coding-DNA position 1180, C replaced by T.
Protein change: p.Arg394Trp; replaces arginine 394 with tryptophan.
Molecular consequence: missense variant.
Genome position (GRCh38, 1-based): chr3:43,080,252, G>A on the plus strand (C>T on the coding strand, the complement: POMGNT2 is on the minus strand). VCF-style: chr3-43080252-G-A. GRCh37 (hg19) VCF-style: chr3-43121744-G-A.
Other names: c.1180C>T (NM_032806.4); short protein forms R394W.
Identifiers: ClinVar variation 1336553 (VCV001336553.10), dbSNP rs146126985, ClinGen allele CA2339910.
Genomic context (GRCh38, chr3:43,080,252, plus strand): 5'-TGCCCCCCTGATCCCAGGGCCGCTCAGGGTGTGTGACTGTGTTCTCTGGCATCATGTTCC[G>A]CCAGGCTACATACTGGAGGTCCATGCCAGGCAGCATGGCCAGCGTCTTATAGGGAGTGTA-3'
Protein context (NP_116195.2, residues 384-404): PGMDLQYVAW[Arg394Trp]NMMPENTVTH